The following is an entry in ClinVar:

NM_022336.4(EDAR):c.690G>T (p.Glu230Asp)

Genes: EDAR (ectodysplasin A receptor; minus strand), RANBP2 (RAN binding protein 2; plus strand). Cytogenetic location: 2q13.
Variant type: single nucleotide variant.
Coding change: c.690G>T on transcript NM_022336.4 (MANE Select); coding-DNA position 690, G replaced by T.
Protein change: p.Glu230Asp; replaces glutamic acid 230 with aspartic acid.
Molecular consequence: missense variant.
Genome position (GRCh38, 1-based): chr2:108,910,816, C>A on the plus strand (G>T on the coding strand, the complement: EDAR is on the minus strand). VCF-style: chr2-108910816-C-A. GRCh37 (hg19) VCF-style: chr2-109527272-C-A.
Other names: short protein forms E230D.
Identifiers: ClinVar variation 4076853 (VCV004076853.1).
Genomic context (GRCh38, chr2:108,910,816, plus strand): 5'-GGAAGCCCTGGTTCACAGACCTGGGGCCTCTTTCTTCTCCTCGTCCTTGCTCACTTGGGC[C>A]TCCACGCTCTTCCCCGGGTGGCTGGTGCAACAGGCTGGGGAGAGAGGAGGGAGTGAGCAG-3'
Protein context (NP_071731.1, residues 220-240): CCTSHPGKSV[Glu230Asp]AQVSKDEEKK

ClinVar aggregate classification (germline): Uncertain significance (1 of 4 stars; one submission).

Submission:

GeneDx
Classification: Uncertain significance. Last evaluated: 2025-02-24. Review status: criteria provided, single submitter. Criteria: GeneDx Variant Classification Process June 2021. Collection method: clinical testing. Allele origin: germline. Affected: yes.
Comment: Not observed at significant frequency in large population cohorts (gnomAD); Missense variants in this gene are a common cause of disease and they are underrepresented in the general population; In silico analysis indicates that this missense variant does not alter protein structure/function; Has not been previously published as pathogenic or benign to our knowledge